The following is an entry in ClinVar:

NM_005419.4(STAT2):c.1957GAG[1] (p.Glu654del)

Gene: STAT2 (signal transducer and activator of transcription 2; minus strand). Cytogenetic location: 12q13.3.
Variant type: Microsatellite.
Coding change: c.1957GAG[1] on transcript NM_005419.4 (MANE Select); one copy of the 3-base unit GAG starting at c.1957; the reference has two copies in a row; one copy, 3 bases deleted.
Protein change: p.Glu654del; deletes glutamic acid 654.
Molecular consequence: inframe deletion.
Genome position (GRCh38, 1-based): chr12:56,346,524-56,346,526, CTC deleted on the plus strand (GAG on the coding strand, the reverse complement: STAT2 is on the minus strand); deleting any 3 consecutive bases within chr12:56,346,524-56,346,529 gives the same sequence; the position shown is the placement nearest the transcript's 3' end. VCF-style (leftmost placement, unchanged base first): chr12-56346523-TCTC-T. GRCh37 (hg19) VCF-style: chr12-56740307-TCTC-T.
Other names: c.1924GAG[1], p.Glu643del (NM_001385110.1); c.1858GAG[1], p.Glu621del (NM_001385111.1); c.1957GAG[1], p.Glu654del (NM_001385113.1); c.1936GAG[1], p.Glu647del (NM_001385114.1); c.1915GAG[1], p.Glu640del (NM_001385115.1); c.1945GAG[1], p.Glu650del (NM_198332.2); short protein forms E654del, E650del, E621del, E640del, E643del, E647del.
Identifiers: ClinVar variation 577456 (VCV000577456.7), dbSNP rs775996290, ClinGen allele CA6630355.

ClinVar aggregate classification (germline): Uncertain significance (1 of 4 stars; one submission).

Conditions:
Primary immunodeficiency with post-measles-mumps-rubella vaccine viral infection. Also called: Immunodeficiency 44. Identifiers: Orphanet 431166, MedGen C4225260, MONDO:0014715, OMIM 616636.

Submission:

Labcorp Genetics (formerly Invitae), Labcorp
Classification: Uncertain significance for Primary immunodeficiency with post-measles-mumps-rubella vaccine viral infection. Last evaluated: 2024-03-29. Review status: criteria provided, single submitter. Criteria: Invitae Variant Classification Sherloc (09022015). Collection method: clinical testing. Allele origin: germline.
Comment: This variant, c.1960_1962del, results in the deletion of 1 amino acid(s) of the STAT2 protein (p.Glu654del), but otherwise preserves the integrity of the reading frame. This variant is present in population databases (rs775996290, gnomAD 0.006%). This variant has not been reported in the literature in individuals affected with STAT2-related conditions. ClinVar contains an entry for this variant (Variation ID: 577456). Experimental studies and prediction algorithms are not available or were not evaluated, and the functional significance of this variant is currently unknown. In summary, the available evidence is currently insufficient to determine the role of this variant in disease. Therefore, it has been classified as a Variant of Uncertain Significance.